The following is an entry in ClinVar:

ClinVar aggregate classification (germline): Uncertain significance (1 of 4 stars; one submission).

Conditions:
Combined immunodeficiency due to DOCK8 deficiency (HIES2). Also called: HIES autosomal recessive; DOCK8 Deficiency; Hyper-IgE recurrent infection syndrome, autosomal recessive; HYPER-IgE SYNDROME 2, AUTOSOMAL RECESSIVE, WITH RECURRENT INFECTIONS; HYPER-IgE RECURRENT INFECTION SYNDROME 2, AUTOSOMAL RECESSIVE. Identifiers: Orphanet 217390, MedGen C4722305, MONDO:0009478, OMIM 243700.

Allele frequency attached by ClinVar (database versions not stated): gnomAD 0.00001; gnomAD exomes 0.00001.
gnomAD v4.1: 7 of 1,613,964 alleles (0.00043%); highest among the groups gnomAD compares: East Asian, 0.016%; no homozygotes.

Submission:

Labcorp Genetics (formerly Invitae), Labcorp
Classification: Uncertain significance for Combined immunodeficiency due to DOCK8 deficiency. Last evaluated: 2022-10-18. Review status: criteria provided, single submitter. Criteria: Invitae Variant Classification Sherloc (09022015). Collection method: clinical testing. Allele origin: germline.
Comment: This sequence change replaces phenylalanine, which is neutral and non-polar, with serine, which is neutral and polar, at codon 1112 of the DOCK8 protein (p.Phe1112Ser). This variant is not present in population databases (gnomAD no frequency). This variant has not been reported in the literature in individuals affected with DOCK8-related conditions. ClinVar contains an entry for this variant (Variation ID: 1485181). Algorithms developed to predict the effect of missense changes on protein structure and function are either unavailable or do not agree on the potential impact of this missense change (SIFT: "Deleterious"; PolyPhen-2: "Possibly Damaging"; Align-GVGD: "Class C0"). In summary, the available evidence is currently insufficient to determine the role of this variant in disease. Therefore, it has been classified as a Variant of Uncertain Significance.

NM_203447.4(DOCK8):c.3335T>C (p.Phe1112Ser)

Gene: DOCK8 (dedicator of cytokinesis 8; plus strand). Cytogenetic location: 9p24.3.
Variant type: single nucleotide variant.
Coding change: c.3335T>C on transcript NM_203447.4 (MANE Select); coding-DNA position 3335, T replaced by C.
Protein change: p.Phe1112Ser; replaces phenylalanine 1112 with serine.
Molecular consequence: missense variant.
Genome position (GRCh38, 1-based): chr9:405,018, T>C. VCF-style: chr9-405018-T-C. GRCh37 (hg19) VCF-style: chr9-405018-T-C.
Other names: c.3035T>C, p.Phe1012Ser (NM_001190458.2); c.3131T>C, p.Phe1044Ser (NM_001193536.2); short protein forms F1044S, F1012S, F1112S.
Identifiers: ClinVar variation 1485181 (VCV001485181.8), dbSNP rs2055347247, ClinGen allele CA372757863.